The following is an entry in ClinVar:

NM_001184.4(ATR):c.3016G>A (p.Ala1006Thr)

Gene: ATR (ATR checkpoint kinase; minus strand). Cytogenetic location: 3q23.
Variant type: single nucleotide variant.
Coding change: c.3016G>A on transcript NM_001184.4 (MANE Select); coding-DNA position 3016, G replaced by A.
Protein change: p.Ala1006Thr; replaces alanine 1006 with threonine.
Molecular consequence: missense variant.
Genome position (GRCh38, 1-based): chr3:142,549,634, C>T on the plus strand (G>A on the coding strand, the complement: ATR is on the minus strand). VCF-style: chr3-142549634-C-T. GRCh37 (hg19) VCF-style: chr3-142268476-C-T.
Other names: c.2824G>A, p.Ala942Thr (NM_001354579.2); short protein forms A1006T, A942T.
Identifiers: ClinVar variation 2453573 (VCV002453573.2), dbSNP rs2473364232, ClinGen allele CA354812522.

ClinVar aggregate classification (germline): Uncertain significance (1 of 4 stars; one submission).

Conditions:
Inborn genetic diseases. Identifiers: MedGen C0950123, MeSH D030342.

Submission:

Ambry Genetics
Classification: Uncertain significance for Inborn genetic diseases. Last evaluated: 2023-01-21. Review status: criteria provided, single submitter. Criteria: Ambry Variant Classification Scheme 2023. Collection method: clinical testing. Allele origin: germline.
Comment: The p.A1006T variant (also known as c.3016G>A), located in coding exon 15 of the ATR gene, results from a G to A substitution at nucleotide position 3016. The alanine at codon 1006 is replaced by threonine, an amino acid with similar properties. This amino acid position is conserved. In addition, the in silico prediction for this alteration is inconclusive. Since supporting evidence is limited at this time, the clinical significance of this alteration remains unclear.